The following is an entry in ClinVar:

NM_004304.5(ALK):c.787+2T>C

Gene: ALK (ALK receptor tyrosine kinase; minus strand). Cytogenetic location: 2p23.2.
Variant type: single nucleotide variant.
Coding change: c.787+2T>C on transcript NM_004304.5 (MANE Select); the canonical splice donor site of the intron after coding-DNA position 787, T replaced by C.
Molecular consequence: splice donor variant.
Genome position (GRCh38, 1-based): chr2:29,717,576, A>G on the plus strand (T>C on the coding strand, the complement: ALK is on the minus strand). VCF-style: chr2-29717576-A-G. GRCh37 (hg19) VCF-style: chr2-29940442-A-G.
Identifiers: ClinVar variation 4273121 (VCV004273121.1).
Genomic context (GRCh38, chr2:29,717,576, plus strand): 5'-ACAGAGTCCTTATTATGAGATAGTGACAGTGTATCTCAAGTAAATATTAAACATATACTT[A>G]CCATATCGGCTGCGATGAGACAGGAAAGGGAAGGAGTCTTTCATTATCCAGGTGAGATTC-3'

ClinVar aggregate classification (germline): Uncertain significance (1 of 4 stars; one submission).

Conditions:
Hereditary cancer-predisposing syndrome. Also called: Hereditary Cancer Syndrome; Hereditary neoplastic syndrome; Neoplastic Syndromes, Hereditary; Tumor predisposition. Identifiers: Orphanet 140162, MedGen C0027672, MeSH D009386, MONDO:0015356.

Submission:

Ambry Genetics
Classification: Uncertain significance for Hereditary cancer-predisposing syndrome. Last evaluated: 2025-09-05. Review status: criteria provided, single submitter. Criteria: Ambry Variant Classification Scheme 2023. Collection method: clinical testing. Allele origin: germline.
Comment: The c.787+2T>C intronic variant results from a T to C substitution two nucleotides after coding exon 2 in the ALK gene. Alterations that disrupt the canonical splice site are expected to result in aberrant splicing. In silico splice site analysis predicts that this alteration may weaken the native splice donor site. This nucleotide position is highly conserved in available vertebrate species. The resulting transcript is predicted to be in-frame and is not expected to trigger nonsense-mediated mRNA decay; although, direct evidence is unavailable. Additionally, loss of function of ALK has not been established as a mechanism of disease. Based on the available evidence, the clinical significance of this variant remains unclear.